The following is an entry in ClinVar:

ClinVar aggregate classification (germline): Uncertain significance. Review status: criteria provided, multiple submitters, no conflicts (2 of 4 stars). 2 submissions from 2 submitters: Uncertain significance (2). Last evaluated 2024-10-20.

Conditions:
Inborn genetic diseases. Identifiers: MedGen C0950123, MeSH D030342.
Developmental and epileptic encephalopathy. Identifiers: MedGen C5779964, MONDO:0100620.

Allele frequency attached by ClinVar (database versions not stated): gnomAD exomes below 0.00001.
gnomAD v4.1: 16 of 1,613,614 alleles (0.00099%); highest among the groups gnomAD compares: Non-Finnish European, 0.0014%; no homozygotes.

Submissions (2):

Ambry Genetics
Classification: Uncertain significance for Inborn genetic diseases. Last evaluated: 2024-10-20. Review status: criteria provided, single submitter. Criteria: Ambry Variant Classification Scheme 2023. Collection method: clinical testing. Allele origin: germline.

Labcorp Genetics (formerly Invitae), Labcorp
Classification: Uncertain significance for Early-infantile DEE. Last evaluated: 2021-08-27. Review status: criteria provided, single submitter. Criteria: Invitae Variant Classification Sherloc (09022015). Collection method: clinical testing. Allele origin: germline.
Comment: This sequence change replaces aspartic acid with asparagine at codon 740 of the CACNA2D2 protein (p.Asp740Asn). The aspartic acid residue is highly conserved and there is a small physicochemical difference between aspartic acid and asparagine. This variant is not present in population databases (ExAC no frequency). This variant has not been reported in the literature in individuals affected with CACNA2D2-related conditions. Algorithms developed to predict the effect of missense changes on protein structure and function (SIFT, PolyPhen-2, Align-GVGD) all suggest that this variant is likely to be tolerated. In summary, the available evidence is currently insufficient to determine the role of this variant in disease. Therefore, it has been classified as a Variant of Uncertain Significance.

NM_006030.4(CACNA2D2):c.2218G>A (p.Asp740Asn)

Genes: CACNA2D2 (calcium voltage-gated channel auxiliary subunit alpha2delta 2; minus strand), LOC101928965 (uncharacterized LOC101928965; plus strand), LOC127898564 (CYB561D2-LOC101928965; plus strand). Cytogenetic location: 3p21.31.
Variant type: single nucleotide variant.
Coding change: c.2218G>A on transcript NM_006030.4 (MANE Select); coding-DNA position 2218, G replaced by A.
Protein change: p.Asp740Asn; replaces aspartic acid 740 with asparagine.
Molecular consequence: missense variant. On other transcripts: non-coding transcript variant (3).
Genome position (GRCh38, 1-based): chr3:50,367,828, C>T on the plus strand (G>A on the coding strand, the complement: CACNA2D2 is on the minus strand). VCF-style: chr3-50367828-C-T. GRCh37 (hg19) VCF-style: chr3-50405259-C-T.
Other names: c.2218G>A, p.Asp740Asn (NM_001005505.3); c.2239G>A, p.Asp747Asn (NM_001174051.3); c.2011G>A, p.Asp671Asn (NM_001291101.1); c.2239G>A (NM_001174051.1); short protein forms D671N, D747N, D740N.
Identifiers: ClinVar variation 972316 (VCV000972316.6), dbSNP rs771379215, ClinGen allele CA74608136.